The following is an entry in ClinVar:

NM_001182.5(ALDH7A1):c.1073G>A (p.Arg358Gln)

Gene: ALDH7A1 (aldehyde dehydrogenase 7 family member A1; minus strand). Cytogenetic location: 5q23.2.
Variant type: single nucleotide variant.
Coding change: c.1073G>A on transcript NM_001182.5 (MANE Select); coding-DNA position 1073, G replaced by A.
Protein change: p.Arg358Gln; replaces arginine 358 with glutamine.
Molecular consequence: missense variant. On other transcripts: intron variant (1).
Genome position (GRCh38, 1-based): chr5:126,555,951, C>T on the plus strand (G>A on the coding strand, the complement: ALDH7A1 is on the minus strand). VCF-style: chr5-126555951-C-T. GRCh37 (hg19) VCF-style: chr5-125891643-C-T.
Other names: p.Arg358Gln; c.989G>A, p.Arg330Gln (NM_001201377.2); c.1008+3289G>A (NM_001202404.2); short protein forms R330Q, R358Q.
Identifiers: ClinVar variation 1002081 (VCV001002081.8), dbSNP rs144671885, ClinGen allele CA360724656.
Genomic context (GRCh38, chr5:126,555,951, plus strand): 5'-TCAAAAAGGGATCGCTTTGAAAGCAGAAGGAGATACTCACGGTCCCATGGGTTCCCAACT[C>T]GGATCTGTGCATAGGCCTTTTTAAGTCTGTTTACAACCTCATCATGGATGCTTTCATGTA-3'
Protein context (NP_001173.2, residues 348-368): NRLKKAYAQI[Arg358Gln]VGNPWDPNVL

ClinVar aggregate classification (germline): Uncertain significance. Review status: criteria provided, multiple submitters, no conflicts (2 of 4 stars). 2 submissions from 2 submitters: Uncertain significance (2). Last evaluated 2026-01-05.

Conditions:
Pyridoxine-dependent epilepsy (EPEO4). Also called: PYRIDOXINE DEPENDENCY WITH SEIZURES; Pyridoxine-Dependent Epilepsy - ALDH7A1; EPILEPSY, EARLY-ONSET, 4, VITAMIN B6-DEPENDENT; Pyridoxine-Dependent Seizures. Identifiers: Orphanet 3006, MedGen C1849508, MONDO:0009945, OMIM 266100. Disease mechanism: loss of function.

Allele frequency attached by ClinVar (database versions not stated): TOPMed 0.00001.
gnomAD v4.1: 7 of 1,613,150 alleles (0.00043%); highest among the groups gnomAD compares: Admixed American, 0.005%; no homozygotes.

Submissions (2):

Labcorp Genetics (formerly Invitae), Labcorp
Classification: Uncertain significance for Pyridoxine-dependent epilepsy. Last evaluated: 2026-01-05. Review status: criteria provided, single submitter. Criteria: Invitae Variant Classification Sherloc (09022015). Collection method: clinical testing. Allele origin: germline.
Comment: This sequence change replaces arginine, which is basic and polar, with glutamine, which is neutral and polar, at codon 358 of the ALDH7A1 protein (p.Arg358Gln). This variant is present in population databases (no rsID available, gnomAD 0.0009%). This variant has not been reported in the literature in individuals affected with ALDH7A1-related conditions. ClinVar contains an entry for this variant (Variation ID: 1002081). Invitae Evidence Modeling of protein sequence and biophysical properties (such as structural, functional, and spatial information, amino acid conservation, physicochemical variation, residue mobility, and thermodynamic stability) indicates that this missense variant is expected to disrupt ALDH7A1 protein function with a positive predictive value of 80%. In summary, the available evidence is currently insufficient to determine the role of this variant in disease. Therefore, it has been classified as a Variant of Uncertain Significance.

Mayo Clinic Laboratories, Mayo Clinic
Classification: Uncertain significance. Last evaluated: 2023-08-29. Review status: criteria provided, single submitter. Criteria: ACMG Guidelines, 2015. Collection method: clinical testing. Allele origin: germline. Observed: 1 variant allele.
Comment: PM2_moderate